The following is an entry in ClinVar:

ClinVar aggregate classification (germline): Uncertain significance (1 of 4 stars; one submission).

gnomAD v4.1: 1 of 1,612,820 alleles (0.000062%); highest among the groups gnomAD compares: Non-Finnish European, 0.000085%; no homozygotes.

Submission:

Labcorp Genetics (formerly Invitae), Labcorp
Classification: Uncertain significance. Last evaluated: 2024-02-24. Review status: criteria provided, single submitter. Criteria: Invitae Variant Classification Sherloc (09022015). Collection method: clinical testing. Allele origin: germline.
Comment: This sequence change replaces serine, which is neutral and polar, with phenylalanine, which is neutral and non-polar, at codon 3661 of the VPS13D protein (p.Ser3661Phe). This variant is present in population databases (rs752225333, gnomAD 0.003%). This variant has not been reported in the literature in individuals affected with VPS13D-related conditions. ClinVar contains an entry for this variant (Variation ID: 1901030). Advanced modeling of protein sequence and biophysical properties (such as structural, functional, and spatial information, amino acid conservation, physicochemical variation, residue mobility, and thermodynamic stability) performed at Invitae indicates that this missense variant is expected to disrupt VPS13D protein function with a positive predictive value of 80%. In summary, the available evidence is currently insufficient to determine the role of this variant in disease. Therefore, it has been classified as a Variant of Uncertain Significance.

NM_015378.4(VPS13D):c.10982C>T (p.Ser3661Phe)

Gene: VPS13D (vacuolar protein sorting 13 homolog D; plus strand). Cytogenetic location: 1p36.22.
Variant type: single nucleotide variant.
Coding change: c.10982C>T on transcript NM_015378.4 (MANE Select); coding-DNA position 10982, C replaced by T.
Protein change: p.Ser3661Phe; replaces serine 3661 with phenylalanine.
Molecular consequence: missense variant.
Genome position (GRCh38, 1-based): chr1:12,378,492, C>T. VCF-style: chr1-12378492-C-T. GRCh37 (hg19) VCF-style: chr1-12438546-C-T.
Other names: c.10907C>T, p.Ser3636Phe (NM_018156.4); short protein forms S3636F, S3661F.
Identifiers: ClinVar variation 1901030 (VCV001901030.5), dbSNP rs752225333, ClinGen allele CA603831.
Genomic context (GRCh38, chr1:12,378,492, plus strand): 5'-CAGGAAAGCGTTCTCAGCTGTGGAGGATGACAGGAACAGGAATGCTGGCCCATGAGGGCT[C>T]CTCAGTTCCTCACAATCCCAATAAGCCCTCAGCCGCCCGCTCCACCGAGGGGTCTGCCAT-3'
Protein context (NP_056193.2, residues 3651-3671): TGTGMLAHEG[Ser3661Phe]SVPHNPNKPS